The following is an entry in ClinVar:

ClinVar aggregate classification (germline): Uncertain significance (1 of 4 stars; one submission).

Conditions:
Aortic aneurysm, familial thoracic 4 (AAT4). Also called: AORTIC ANEURYSM/AORTIC DISSECTION AND PATENT DUCTUS ARTERIOSUS. Identifiers: MedGen C1851504, MONDO:0007568, OMIM 132900.

Submission:

Labcorp Genetics (formerly Invitae), Labcorp
Classification: Uncertain significance for Aortic aneurysm, familial thoracic 4. Last evaluated: 2024-10-06. Review status: criteria provided, single submitter. Criteria: Invitae Variant Classification Sherloc (09022015). Collection method: clinical testing. Allele origin: germline.
Comment: This sequence change replaces glutamic acid, which is acidic and polar, with glycine, which is neutral and non-polar, at codon 1466 of the MYH11 protein (p.Glu1466Gly). This variant is not present in population databases (gnomAD no frequency). This variant has not been reported in the literature in individuals affected with MYH11-related conditions. Invitae Evidence Modeling of protein sequence and biophysical properties (such as structural, functional, and spatial information, amino acid conservation, physicochemical variation, residue mobility, and thermodynamic stability) indicates that this missense variant is not expected to disrupt MYH11 protein function with a negative predictive value of 95%. In summary, the available evidence is currently insufficient to determine the role of this variant in disease. Therefore, it has been classified as a Variant of Uncertain Significance.

NM_002474.3(MYH11):c.4376A>G (p.Glu1459Gly)

Genes: MYH11 (myosin heavy chain 11; minus strand), NDE1 (nudE neurodevelopment protein 1; plus strand). Cytogenetic location: 16p13.11.
Variant type: single nucleotide variant.
Coding change: c.4376A>G on transcript NM_002474.3 (MANE Select); coding-DNA position 4376, A replaced by G.
Protein change: p.Glu1459Gly; replaces glutamic acid 1459 with glycine.
Molecular consequence: missense variant. On other transcripts: intron variant (2).
Genome position (GRCh38, 1-based): chr16:15,721,624, T>C on the plus strand (A>G on the coding strand, the complement: MYH11 is on the minus strand). VCF-style: chr16-15721624-T-C. GRCh37 (hg19) VCF-style: chr16-15815481-T-C.
Other names: c.4397A>G, p.Glu1466Gly (NM_001040113.2, NM_001040114.2); c.4376A>G, p.Glu1459Gly (NM_022844.3); c.948-2567T>C (NM_001143979.2, NM_017668.3); short protein forms E1459G, E1466G.
Identifiers: ClinVar variation 3677927 (VCV003677927.2).
Genomic context (GRCh38, chr16:15,721,624, plus strand): 5'-CTGGCTTCTGCCTCAGCTCTGTCCCTCTCATCCGCGTATTTGGAAGAGATGTTTTTCTCC[T>C]CGGCTAACAACTACAACACAAGACCCAGAGGTGACTTCTAGGCATATCCGGGGTCAGCGT-3'
Protein context (NP_002465.1, residues 1449-1469): KQRKFDQLLA[Glu1459Gly]EKNISSKYAD